The following is an entry in ClinVar:

ClinVar aggregate classification (germline): Likely pathogenic (1 of 4 stars; one submission).

Conditions:
Congenital lactic acidosis, Saguenay-Lac-Saint-Jean type (MC4DN5). Also called: CYTOCHROME c OXIDASE DEFICIENCY, FRENCH CANADIAN TYPE; COX DEFICIENCY, FRENCH CANADIAN TYPE; MITOCHONDRIAL COMPLEX IV DEFICIENCY, NUCLEAR TYPE 5. Identifiers: Orphanet 70472, MedGen C1857355, MONDO:0009069, OMIM 220111.

Submission:

Myriad Genetics, Inc.
Classification: Likely pathogenic for Congenital lactic acidosis, Saguenay-Lac-Saint-Jean type. Last evaluated: 2025-05-15. Review status: criteria provided, single submitter. Criteria: Myriad Autosomal Dominant, Autosomal Recessive and X-Linked Classification Criteria (2023). Collection method: clinical testing. Allele origin: unknown.
Comment: NM_133259.3(LRPPRC):c.3037_3039+19del22 is a variant in a canonical splice site classified as likely pathogenic in the context of Leigh syndrome, French-Canadian type. c.3037_3039+19del22 has not been observed in cases with relevant disease. Relevant functional assessments of this variant are not available in the literature. c.3037_3039+19del22 has not been observed in referenced population frequency databases. In summary, NM_133259.3(LRPPRC):c.3037_3039+19del22 is a variant in a canonical splice site in a gene where loss of function is a known mechanism of disease and is predicted to disrupt protein function. Please note: this variant was assessed in the context of healthy population screening.

NM_133259.4(LRPPRC):c.3037_3039+19del

Gene: LRPPRC (leucine rich pentatricopeptide repeat containing; minus strand). Cytogenetic location: 2p21.
Variant type: Deletion.
Coding change: c.3037_3039+19del on transcript NM_133259.4 (MANE Select); coding-DNA position 3037 through 19 bases into the intron after coding-DNA position 3039, 22 bases deleted (GAGGTAATTGTTTTTGGCATAA).
Molecular consequence: splice donor variant.
Genome position (GRCh38, 1-based): chr2:43,918,237-43,918,258, TTATGCCAAAAACAATTACCTC deleted on the plus strand (GAGGTAATTGTTTTTGGCATAA on the coding strand, the reverse complement: LRPPRC is on the minus strand). VCF-style (leftmost placement, unchanged base first): chr2-43918236-ATTATGCCAAAAACAATTACCTC-A. GRCh37 (hg19) VCF-style: chr2-44145375-ATTATGCCAAAAACAATTACCTC-A.
Identifiers: ClinVar variation 4081727 (VCV004081727.1).